The following is an entry in ClinVar:

ClinVar aggregate classification (germline): Uncertain significance (1 of 4 stars; one submission).

Allele frequency attached by ClinVar (database versions not stated): gnomAD exomes below 0.00001; gnomAD 0.00001; TOPMed 0.00001.
gnomAD v4.1: 10 of 1,612,970 alleles (0.00062%); highest among the groups gnomAD compares: Admixed American, 0.0017%; no homozygotes.

Submission:

Labcorp Genetics (formerly Invitae), Labcorp
Classification: Uncertain significance. Last evaluated: 2021-09-08. Review status: criteria provided, single submitter. Criteria: Invitae Variant Classification Sherloc (09022015). Collection method: clinical testing. Allele origin: germline.
Comment: This sequence change replaces proline with serine at codon 32 of the TPP1 protein (p.Pro32Ser). The proline residue is highly conserved and there is a moderate physicochemical difference between proline and serine. This variant is not present in population databases (ExAC no frequency). This variant has not been reported in the literature in individuals affected with TPP1-related conditions. Algorithms developed to predict the effect of missense changes on protein structure and function are either unavailable or do not agree on the potential impact of this missense change (SIFT: "Tolerated"; PolyPhen-2: "Probably Damaging"; Align-GVGD: "Class C0"). In summary, the available evidence is currently insufficient to determine the role of this variant in disease. Therefore, it has been classified as a Variant of Uncertain Significance.

NM_000391.4(TPP1):c.94C>T (p.Pro32Ser)

Gene: TPP1 (tripeptidyl peptidase 1; minus strand). Cytogenetic location: 11p15.4.
Variant type: single nucleotide variant.
Coding change: c.94C>T on transcript NM_000391.4 (MANE Select); coding-DNA position 94, C replaced by T.
Protein change: p.Pro32Ser; replaces proline 32 with serine.
Molecular consequence: missense variant.
Genome position (GRCh38, 1-based): chr11:6,618,911, G>A on the plus strand (C>T on the coding strand, the complement: TPP1 is on the minus strand). VCF-style: chr11-6618911-G-A. GRCh37 (hg19) VCF-style: chr11-6640142-G-A.
Other names: short protein forms P32S.
Identifiers: ClinVar variation 1008677 (VCV001008677.2), dbSNP rs1295778740, ClinGen allele CA379476906.